The following is an entry in ClinVar:

ClinVar aggregate classification (germline): Benign (1 of 4 stars; one submission).

Conditions:
DICER1-related tumor predisposition. Also called: DICER1-related pleuropulmonary blastoma cancer predisposition syndrome; DICER1 syndrome. Identifiers: Orphanet 284343, MedGen C3839822, MONDO:0100216.

Allele frequency attached by ClinVar (database versions not stated): gnomAD 0.00049 and 0.00070; TOPMed 0.00112; gnomAD exomes 0.00200; 1000 Genomes Project 30x 0.00265; 1000 Genomes Project 0.00300.
gnomAD v4.1: 381 of 291,382 alleles (0.13%); highest among the groups gnomAD compares: East Asian, 1.8%; 3 homozygotes.

Submission:

Illumina Laboratory Services, Illumina
Classification: Benign for Pleuropulmonary blastoma. Last evaluated: 2018-01-12. Review status: criteria provided, single submitter. Criteria: ICSL Variant Classification Criteria 13 December 2019. Collection method: clinical testing. Allele origin: germline.
Comment: This variant was observed in the ICSL laboratory as part of a predisposition screen in an ostensibly healthy population. It had not been previously curated by ICSL or reported in the Human Gene Mutation Database (HGMD: prior to June 1st, 2018), and was therefore a candidate for classification through an automated scoring system. Utilizing variant allele frequency, disease prevalence and penetrance estimates, and inheritance mode, an automated score was calculated to assess if this variant is too frequent to cause the disease. Based on the score and internal cut-off values, a variant classified as benign is not then subjected to further curation. The score for this variant resulted in a classification of benign for this disease.

NM_177438.3(DICER1):c.*465A>G

Gene: DICER1 (dicer 1, ribonuclease III; minus strand). Cytogenetic location: 14q32.13.
Variant type: single nucleotide variant.
Coding change: c.*465A>G on transcript NM_177438.3 (MANE Select); 465 bases downstream of the stop codon, A replaced by G.
Molecular consequence: 3 prime UTR variant.
Genome position (GRCh38, 1-based): chr14:95,090,033, T>C on the plus strand (A>G on the coding strand, the complement: DICER1 is on the minus strand). VCF-style: chr14-95090033-T-C. GRCh37 (hg19) VCF-style: chr14-95556370-T-C.
Other names: c.*581A>G (NM_001195573.1); c.*465A>G (NM_001271282.3, NM_001291628.2, NM_030621.4).
Identifiers: ClinVar variation 315094 (VCV000315094.6), dbSNP rs142808371, ClinGen allele CA10635627.